The following is an entry in ClinVar:

NM_000301.5(PLG):c.745G>T (p.Asp249Tyr)

Gene: PLG (plasminogen; plus strand). Cytogenetic location: 6q26.
Variant type: single nucleotide variant.
Coding change: c.745G>T on transcript NM_000301.5 (MANE Select); coding-DNA position 745, G replaced by T.
Protein change: p.Asp249Tyr; replaces aspartic acid 249 with tyrosine.
Molecular consequence: missense variant.
Genome position (GRCh38, 1-based): chr6:160,716,721, G>T. VCF-style: chr6-160716721-G-T. GRCh37 (hg19) VCF-style: chr6-161137753-G-T.
Other names: short protein forms D249Y.
Identifiers: ClinVar variation 3017174 (VCV003017174.3), dbSNP rs532027310, ClinGen allele CA4087556.

ClinVar aggregate classification (germline): Uncertain significance (1 of 4 stars; one submission).

gnomAD v4.1: 50 of 1,612,934 alleles (0.0031%); highest among the groups gnomAD compares: Non-Finnish European, 0.004%; no homozygotes.

Submission:

Labcorp Genetics (formerly Invitae), Labcorp
Classification: Uncertain significance. Last evaluated: 2024-05-08. Review status: criteria provided, single submitter. Criteria: Invitae Variant Classification Sherloc (09022015). Collection method: clinical testing. Allele origin: germline.
Comment: This sequence change replaces aspartic acid, which is acidic and polar, with tyrosine, which is neutral and polar, at codon 249 of the PLG protein (p.Asp249Tyr). This variant is present in population databases (rs532027310, gnomAD 0.02%). This variant has not been reported in the literature in individuals affected with PLG-related conditions. Advanced modeling of protein sequence and biophysical properties (such as structural, functional, and spatial information, amino acid conservation, physicochemical variation, residue mobility, and thermodynamic stability) performed at Invitae indicates that this missense variant is not expected to disrupt PLG protein function with a negative predictive value of 80%. In summary, the available evidence is currently insufficient to determine the role of this variant in disease. Therefore, it has been classified as a Variant of Uncertain Significance.